The following is an entry in ClinVar:

NM_004667.6(HERC2):c.810C>T (p.His270=)

Gene: HERC2 (HECT and RLD domain containing E3 ubiquitin protein ligase 2; minus strand). Cytogenetic location: 15q13.1.
Variant type: single nucleotide variant.
Coding change: c.810C>T on transcript NM_004667.6 (MANE Select); coding-DNA position 810, C replaced by T.
Protein change: p.His270=; no amino-acid change (histidine 270 retained).
Molecular consequence: synonymous variant.
Genome position (GRCh38, 1-based): chr15:28,272,995, G>A on the plus strand (C>T on the coding strand, the complement: HERC2 is on the minus strand). VCF-style: chr15-28272995-G-A. GRCh37 (hg19) VCF-style: chr15-28518141-G-A.
Identifiers: ClinVar variation 3041624 (VCV003041624.2), dbSNP rs763621496, ClinGen allele CA267948595.

ClinVar aggregate classification (germline): Likely benign (0 of 4 stars; one submission).

Conditions:
HERC2-related disorder. Also called: HERC2-related condition.

Allele frequency attached by ClinVar (database versions not stated): gnomAD 0.00001; TOPMed 0.00003; ExAC 0.00019.
gnomAD v4.1: 27 of 1,611,916 alleles (0.0017%); highest among the groups gnomAD compares: African/African-American, 0.0053%; no homozygotes.

Submission:

PreventionGenetics, part of Exact Sciences
Classification: Likely benign for HERC2-related condition. Last evaluated: 2019-07-10. Review status: no assertion criteria provided. Collection method: clinical testing. Allele origin: germline.
Comment: This variant is classified as likely benign based on ACMG/AMP sequence variant interpretation guidelines (Richards et al. 2015 PMID: 25741868, with internal and published modifications).